The following is an entry in ClinVar:

NM_001113378.2(FANCI):c.1432TCT[1] (p.Ser479del)

Gene: FANCI (FA complementation group I; plus strand). Cytogenetic location: 15q26.1.
Variant type: Microsatellite.
Coding change: c.1432TCT[1] on transcript NM_001113378.2 (MANE Select); one copy of the 3-base unit TCT starting at c.1432; the reference has two copies in a row; one copy, 3 bases deleted.
Protein change: p.Ser479del; deletes serine 479.
Genome position (GRCh38, 1-based): chr15:89,281,223-89,281,225, TCT deleted; deleting any 3 consecutive bases within chr15:89,281,219-89,281,225 gives the same sequence; the position shown is the placement nearest the transcript's 3' end. VCF-style (leftmost placement, unchanged base first): chr15-89281218-GTTC-G. GRCh37 (hg19) VCF-style: chr15-89824449-GTTC-G.
Other names: c.1153TCT[1], p.Ser386del (NM_001376910.1); c.1432TCT[1], p.Ser479del (NM_001376911.1, NM_018193.3); short protein forms S386del, S479del.
Identifiers: ClinVar variation 4806296 (VCV004806296.1).

ClinVar aggregate classification (germline): Uncertain significance (1 of 4 stars; one submission).

Conditions:
Fanconi anemia (FA). Also called: Fanconi's anemia. Identifiers: Orphanet 84, MedGen C0015625, MeSH D005199, MONDO:0019391.

Submission:

Labcorp Genetics (formerly Invitae), Labcorp
Classification: Uncertain significance for Fanconi anemia. Last evaluated: 2026-01-18. Review status: criteria provided, single submitter. Criteria: Invitae Variant Classification Sherloc (09022015). Collection method: clinical testing. Allele origin: germline.
Comment: This variant, c.1435_1437del, results in the deletion of 1 amino acid(s) of the FANCI protein (p.Ser479del), but otherwise preserves the integrity of the reading frame. This variant is not present in population databases (gnomAD no frequency). This variant has not been reported in the literature in individuals affected with FANCI-related conditions. Experimental studies and prediction algorithms are not available or were not evaluated, and the functional significance of this variant is currently unknown. In summary, the available evidence is currently insufficient to determine the role of this variant in disease. Therefore, it has been classified as a Variant of Uncertain Significance.